The following is an entry in ClinVar:

NM_002772.3(TMPRSS15):c.2579A>G (p.Asp860Gly)

Gene: TMPRSS15 (transmembrane serine protease 15; minus strand). Cytogenetic location: 21q21.1.
Variant type: single nucleotide variant.
Coding change: c.2579A>G on transcript NM_002772.3 (MANE Select); coding-DNA position 2579, A replaced by G.
Protein change: p.Asp860Gly; replaces aspartic acid 860 with glycine.
Molecular consequence: missense variant.
Genome position (GRCh38, 1-based): chr21:18,281,129, T>C on the plus strand (A>G on the coding strand, the complement: TMPRSS15 is on the minus strand). VCF-style: chr21-18281129-T-C. GRCh37 (hg19) VCF-style: chr21-19653446-T-C.
Other names: short protein forms D860G.
Identifiers: ClinVar variation 2110390 (VCV002110390.4), dbSNP rs746318360, ClinGen allele CA409848028.
Genomic context (GRCh38, chr21:18,281,129, plus strand): 5'-ATCATGGCAATGTCGTTGTCCTTTCTTCGCCTATTGTAATGAGGGTTTATGACAATTTCA[T>C]CTATTAATCGAGGGACTGTTTGAGGAGAGGTCAGATTTGATTTCATATGCAGGCCTAGGA-3'
Protein context (NP_002763.3, residues 850-870): TSPQTVPRLI[Asp860Gly]EIVINPHYNR

ClinVar aggregate classification (germline): Uncertain significance (1 of 4 stars; one submission).

Submission:

Labcorp Genetics (formerly Invitae), Labcorp
Classification: Uncertain significance. Last evaluated: 2024-12-09. Review status: criteria provided, single submitter. Criteria: Invitae Variant Classification Sherloc (09022015). Collection method: clinical testing. Allele origin: germline.
Comment: This sequence change replaces aspartic acid, which is acidic and polar, with glycine, which is neutral and non-polar, at codon 860 of the TMPRSS15 protein (p.Asp860Gly). This variant is not present in population databases (gnomAD no frequency). This variant has not been reported in the literature in individuals affected with TMPRSS15-related conditions. ClinVar contains an entry for this variant (Variation ID: 2110390). An algorithm developed to predict the effect of missense changes on protein structure and function (PolyPhen-2) suggests that this variant is likely to be disruptive. In summary, the available evidence is currently insufficient to determine the role of this variant in disease. Therefore, it has been classified as a Variant of Uncertain Significance.